The following is an entry in ClinVar:

NM_019112.4(ABCA7):c.2385G>A (p.Leu795=)

Gene: ABCA7 (ATP binding cassette subfamily A member 7; plus strand). Cytogenetic location: 19p13.3.
Variant type: single nucleotide variant.
Coding change: c.2385G>A on transcript NM_019112.4 (MANE Select); coding-DNA position 2385, G replaced by A.
Protein change: p.Leu795=; no amino-acid change (leucine 795 retained).
Molecular consequence: synonymous variant.
Genome position (GRCh38, 1-based): chr19:1,049,270, G>A. VCF-style: chr19-1049270-G-A. GRCh37 (hg19) VCF-style: chr19-1049269-G-A.
Identifiers: ClinVar variation 1257803 (VCV001257803.3), dbSNP rs4147914, ClinGen allele CA9033461.

ClinVar aggregate classification (germline): Benign. Review status: criteria provided, multiple submitters, no conflicts (2 of 4 stars). 2 submissions from 2 submitters: Benign (2). Last evaluated 2021-02-23.

Allele frequency attached by ClinVar (database versions not stated): ESP Exome Variant Server 0.15286; gnomAD 0.15304 and 0.15979; TOPMed 0.15694; gnomAD exomes 0.17423; ExAC 0.17815; 1000 Genomes Project 30x 0.23345; 1000 Genomes Project 0.24062.
gnomAD v4.1: 250,944 of 1,602,504 alleles (16%); highest among the groups gnomAD compares: East Asian, 42%; 22,492 homozygotes.

Submissions (2):

GeneDx
Classification: Benign. Last evaluated: 2021-02-23. Review status: criteria provided, single submitter. Criteria: GeneDx Variant Classification Process June 2021. Collection method: clinical testing. Allele origin: germline. Affected: yes.
Comment: This variant is associated with the following publications: (PMID: 28171541)

Breakthrough Genomics
Classification: Benign. Review status: criteria provided, single submitter. Criteria: ACMG Guidelines, 2015. Collection method: not provided. Allele origin: germline. Inheritance: Autosomal dominant inheritance. Affected: yes.